The following is an entry in ClinVar:

NM_000414.4(HSD17B4):c.739+6TC[2]

Gene: HSD17B4 (hydroxysteroid 17-beta dehydrogenase 4; plus strand). Cytogenetic location: 5q23.1.
Variant type: Microsatellite.
Coding change: c.739+6TC[2] on transcript NM_000414.4 (MANE Select); two copies in a row of the 2-base unit TC starting at c.739+6; the reference has four copies in a row; two copies, 4 bases deleted.
Molecular consequence: intron variant.
Genome position (GRCh38, 1-based): chr5:119,492,134-119,492,137, TCTC deleted; deleting any 4 consecutive bases within chr5:119,492,130-119,492,137 gives the same sequence; the position shown is the placement nearest the transcript's 3' end. VCF-style (leftmost placement, unchanged base first): chr5-119492129-GTCTC-G. GRCh37 (hg19) VCF-style: chr5-118827824-GTCTC-G.
Other names: c.328+6TC[2] (NM_001374503.1, NM_001374502.1, NM_001374501.1); c.814+6TC[2] (NM_001199291.3); c.412+6TC[2] (NM_001374499.1); c.298+6TC[2] (NM_001374500.1); c.319+6TC[2] (NM_001292028.2); c.667+6TC[2] (NM_001292027.2); c.739+6TC[2] (NM_001374498.1); c.730+6TC[2] (NM_001374497.1); and 2 more.
Identifiers: ClinVar variation 1159021 (VCV001159021.10), dbSNP rs1208834876, ClinGen allele CA562295441.

ClinVar aggregate classification (germline): Likely benign. Review status: criteria provided, multiple submitters, no conflicts (2 of 4 stars). 2 submissions from 2 submitters: Likely benign (2). Last evaluated 2024-12-12.

Conditions:
HSD17B4-related disorder. Also called: HSD17B4-related disorders; HSD17B4-related condition.
Perrault syndrome. Also called: Gonadal dysgenesis with auditory dysfunction, autosomal recessive inheritance. Identifiers: Orphanet 2855, MedGen C0685838, MONDO:0017312.
Bifunctional peroxisomal enzyme deficiency (DBIF). Also called: DBP DEFICIENCY; D-bifunctional protein deficiency; PBFE DEFICIENCY. Identifiers: Orphanet 300, MedGen C0342870, MONDO:0009855, OMIM 261515. Disease mechanism: loss of function.

Submissions (2):

PreventionGenetics, part of Exact Sciences
Classification: Likely benign for HSD17B4-related condition. Last evaluated: 2024-12-12. Review status: criteria provided, single submitter. Criteria: ACMG Guidelines, 2015. Collection method: clinical testing. Allele origin: germline.
Comment: This variant is classified as likely benign based on ACMG/AMP sequence variant interpretation guidelines (Richards et al. 2015 PMID: 25741868, with internal and published modifications).

Labcorp Genetics (formerly Invitae), Labcorp
Classification: Likely benign for Perrault syndrome; Bifunctional peroxisomal enzyme deficiency. Last evaluated: 2022-11-24. Review status: criteria provided, single submitter. Criteria: Invitae Variant Classification Sherloc (09022015). Collection method: clinical testing. Allele origin: germline.